The following is an entry in ClinVar:

ClinVar aggregate classification (germline): Pathogenic. Review status: criteria provided, single submitter (1 of 4 stars). 2 submissions from 2 submitters: Pathogenic (1). 1 of the submissions does not count toward it. Last evaluated 2021-07-29.

Conditions:
Nemaline myopathy 2 (NEM2). Also called: Nemaline myopathy 2, autosomal recessive. Identifiers: MedGen C1850569, MONDO:0009725, OMIM 256030.

Submissions (2):

Labcorp Genetics (formerly Invitae), Labcorp
Classification: Pathogenic for Nemaline myopathy 2. Last evaluated: 2021-07-29. Review status: criteria provided, single submitter. Criteria: Invitae Variant Classification Sherloc (09022015). Collection method: clinical testing. Allele origin: germline.
Comment: This variant is not present in population databases (ExAC no frequency). This variant has not been reported in the literature in individuals affected with NEB-related conditions. ClinVar contains an entry for this variant (Variation ID: 557353). Algorithms developed to predict the effect of sequence changes on RNA splicing suggest that this variant may disrupt the consensus splice site. For these reasons, this variant has been classified as Pathogenic. This sequence change creates a premature translational stop signal (p.Val7035*) in the NEB gene. It is expected to result in an absent or disrupted protein product. Loss-of-function variants in NEB are known to be pathogenic (PMID: 25205138).

Counsyl
Classification: Likely pathogenic for Nemaline myopathy 2. Last evaluated: 2018-03-18. Review status: no assertion criteria provided. Collection method: clinical testing. Allele origin: unknown. Not counted in ClinVar's aggregate classification.

Literature cited by the submitters: PubMed 25205138 (cited by Labcorp Genetics (formerly Invitae), Labcorp).

NM_001271208.1(NEB):c.21103delG

Gene: NEB (nebulin; minus strand). Cytogenetic location: 2q23.3.
Variant type: Deletion.
Coding change: c.21103delG on transcript NM_001271208.1; coding-DNA position 21103, one base deleted (G).
Genome position (GRCh38, 1-based): chr2:151,537,236, C deleted on the plus strand (G on the coding strand, the reverse complement: NEB is on the minus strand); the first of 2 consecutive C bases (chr2:151,537,236-151,537,237); deleting either gives the same sequence. VCF-style (leftmost placement, unchanged base first): chr2-151537235-AC-A. GRCh37 (hg19) VCF-style: chr2-152393749-AC-A.
Identifiers: ClinVar variation 557353 (VCV000557353.10), dbSNP rs1553686994, ClinGen allele CA658822966.
Genomic context (GRCh38, chr2:151,537,235, plus strand): 5'-GGGGTATCATAGGCATAGCAACCAATGCCTTTAAGCCAAGTCAAGTCTTCTTTATATTTT[AC>A]CTGGGAGAAGAAGAACATCAAAGAGTTCTAAGAAGCCATCTCCAAACAGCAATAAGTTAG-3'